The following is an entry in ClinVar:

NM_172364.5(CACNA2D4):c.876A>G (p.Ile292Met)

Gene: CACNA2D4 (calcium voltage-gated channel auxiliary subunit alpha2delta 4; minus strand). Cytogenetic location: 12p13.33.
Variant type: single nucleotide variant.
Coding change: c.876A>G on transcript NM_172364.5 (MANE Select); coding-DNA position 876, A replaced by G.
Protein change: p.Ile292Met; replaces isoleucine 292 with methionine.
Molecular consequence: missense variant.
Genome position (GRCh38, 1-based): chr12:1,886,340, T>C on the plus strand (A>G on the coding strand, the complement: CACNA2D4 is on the minus strand). VCF-style: chr12-1886340-T-C. GRCh37 (hg19) VCF-style: chr12-1995506-T-C.
Other names: short protein forms I292M.
Identifiers: ClinVar variation 2836760 (VCV002836760.3), dbSNP rs1866145633, ClinGen allele CA383360882.

ClinVar aggregate classification (germline): Uncertain significance (1 of 4 stars; one submission).

Allele frequency attached by ClinVar (database versions not stated): TOPMed below 0.00001.

Submission:

Labcorp Genetics (formerly Invitae), Labcorp
Classification: Uncertain significance. Last evaluated: 2023-08-24. Review status: criteria provided, single submitter. Criteria: Invitae Variant Classification Sherloc (09022015). Collection method: clinical testing. Allele origin: germline.
Comment: In summary, the available evidence is currently insufficient to determine the role of this variant in disease. Therefore, it has been classified as a Variant of Uncertain Significance. Algorithms developed to predict the effect of missense changes on protein structure and function output the following: SIFT: "Not Available"; PolyPhen-2: "Benign"; Align-GVGD: "Not Available". The methionine amino acid residue is found in multiple mammalian species, which suggests that this missense change does not adversely affect protein function. This variant has not been reported in the literature in individuals affected with CACNA2D4-related conditions. This variant is not present in population databases (gnomAD no frequency). This sequence change replaces isoleucine, which is neutral and non-polar, with methionine, which is neutral and non-polar, at codon 292 of the CACNA2D4 protein (p.Ile292Met).